The following is an entry in ClinVar:

ClinVar aggregate classification (germline): Pathogenic (1 of 4 stars; one submission).

Submission:

GeneDx
Classification: Pathogenic. Last evaluated: 2025-04-01. Review status: criteria provided, single submitter. Criteria: GeneDx Variant Classification Process June 2021. Collection method: clinical testing. Allele origin: germline. Affected: yes.
Comment: Nonsense variant predicted to result in protein truncation or nonsense mediated decay in a gene for which loss-of-function is a known mechanism of disease; Not observed at significant frequency in large population cohorts (gnomAD); Has not been previously published as pathogenic or benign to our knowledge; This variant is associated with the following publications: (PMID: 27535533)

NM_000540.3(RYR1):c.10624del (p.Ala3541_Leu3542insTer)

Gene: RYR1 (ryanodine receptor 1; plus strand). Cytogenetic location: 19q13.2.
Variant type: Deletion.
Coding change: c.10624del on transcript NM_000540.3 (MANE Select); coding-DNA position 10624, one base deleted (C; older notation c.10624delC).
Protein change: p.Ala3541_Leu3542insTer.
Molecular consequence: nonsense. On other transcripts: frameshift variant (1).
Genome position (GRCh38, 1-based): chr19:38,525,500, C deleted; the last of 3 consecutive C bases (chr19:38,525,498-38,525,500); deleting any one gives the same sequence. VCF-style (leftmost placement, unchanged base first): chr19-38525497-GC-G. GRCh37 (hg19) VCF-style: chr19-39016137-GC-G.
Other names: c.10624delC, p.Leu3542Terfs (NM_000540.2); c.10609del, p.Ala3536_Leu3537insTer (NM_001042723.2).
Identifiers: ClinVar variation 4278596 (VCV004278596.1).